The following is an entry in ClinVar:

ClinVar aggregate classification (germline): Uncertain significance. Review status: criteria provided, multiple submitters, no conflicts (2 of 4 stars). 2 submissions from 2 submitters: Uncertain significance (2). Last evaluated 2025-03-26.

Allele frequency attached by ClinVar (database versions not stated): gnomAD exomes below 0.00001; TOPMed below 0.00001.
gnomAD v4.1: 3 of 1,552,054 alleles (0.00019%); highest among the groups gnomAD compares: Non-Finnish European, 0.00026%; no homozygotes.

Submissions (2):

GeneDx
Classification: Uncertain significance. Last evaluated: 2025-03-26. Review status: criteria provided, single submitter. Criteria: GeneDx Variant Classification Process June 2021. Collection method: clinical testing. Allele origin: germline. Affected: yes.
Comment: In silico analysis indicates that this missense variant does not alter protein structure/function; Has not been previously published as pathogenic or benign to our knowledge

Labcorp Genetics (formerly Invitae), Labcorp
Classification: Uncertain significance. Last evaluated: 2022-03-04. Review status: criteria provided, single submitter. Criteria: Invitae Variant Classification Sherloc (09022015). Collection method: clinical testing. Allele origin: germline.
Comment: This sequence change replaces isoleucine, which is neutral and non-polar, with valine, which is neutral and non-polar, at codon 1107 of the UNC80 protein (p.Ile1107Val). This variant is present in population databases (no rsID available, gnomAD 0.03%). This variant has not been reported in the literature in individuals affected with UNC80-related conditions. Algorithms developed to predict the effect of missense changes on protein structure and function are either unavailable or do not agree on the potential impact of this missense change (SIFT: "Not Available"; PolyPhen-2: "Possibly Damaging"; Align-GVGD: "Not Available"). In summary, the available evidence is currently insufficient to determine the role of this variant in disease. Therefore, it has been classified as a Variant of Uncertain Significance.

NM_001371986.1(UNC80):c.3313A>G (p.Ile1105Val)

Gene: UNC80 (unc-80 subunit of NALCN channel complex; plus strand). Cytogenetic location: 2q34.
Variant type: single nucleotide variant.
Coding change: c.3313A>G on transcript NM_001371986.1 (MANE Select); coding-DNA position 3313, A replaced by G.
Protein change: p.Ile1105Val; replaces isoleucine 1105 with valine.
Molecular consequence: missense variant.
Genome position (GRCh38, 1-based): chr2:209,840,604, A>G. VCF-style: chr2-209840604-A-G. GRCh37 (hg19) VCF-style: chr2-210705328-A-G.
Other names: c.3319A>G, p.Ile1107Val (NM_032504.2); c.3304A>G, p.Ile1102Val (NM_182587.4); c.3319A>G (NM_032504.1); short protein forms I1107V, I1105V, I1102V.
Identifiers: ClinVar variation 2105756 (VCV002105756.2), dbSNP rs1319111091, ClinGen allele CA350731146.
Genomic context (GRCh38, chr2:209,840,604, plus strand): 5'-AACTGGCTGAAGAGATCATCCCTCTCAGGCCTGGCAGATGGTGTGGAGGACCTCCTGGAC[A>G]TTAGCTCTGTGGACCGACTCTCTTTCATCAGGCAAAGCTCCAAGGTAAACAGGACATAAC-3'
Protein context (NP_001358915.1, residues 1095-1115): LADGVEDLLD[Ile1105Val]SSVDRLSFIR